The following is an entry in ClinVar:

NM_002661.5(PLCG2):c.3682C>T (p.Arg1228Trp)

Gene: PLCG2 (phospholipase C gamma 2; plus strand). Cytogenetic location: 16q23.3.
Variant type: single nucleotide variant.
Coding change: c.3682C>T on transcript NM_002661.5 (MANE Select); coding-DNA position 3682, C replaced by T.
Protein change: p.Arg1228Trp; replaces arginine 1228 with tryptophan.
Molecular consequence: missense variant.
Genome position (GRCh38, 1-based): chr16:81,956,806, C>T. VCF-style: chr16-81956806-C-T. GRCh37 (hg19) VCF-style: chr16-81990411-C-T.
Other names: short protein forms R1228W.
Identifiers: ClinVar variation 1446154 (VCV001446154.24), dbSNP rs202108152, ClinGen allele CA8194802.

ClinVar aggregate classification (germline): Conflicting classifications of pathogenicity. Review status: criteria provided, conflicting classifications (1 of 4 stars). 5 submissions from 5 submitters: Uncertain significance (4); Benign (1). Last evaluated 2025-02-16.

Conditions:
Familial cold autoinflammatory syndrome 3 (FCAS3). Also called: ANTIBODY DEFICIENCY AND IMMUNE DYSREGULATION, PLCG2-ASSOCIATED; FAMILIAL ATYPICAL COLD URTICARIA. Identifiers: Orphanet 300359, MedGen C3280914, MONDO:0013766, OMIM 614468.
Autoinflammation-PLCG2-associated antibody deficiency-immune dysregulation. Also called: AUTOINFLAMMATION, ANTIBODY DEFICIENCY, AND IMMUNE DYSREGULATION; Autoinflammation, antibody deficiency, and immune dysregulation syndrome; Autoinflammation, antibody deficiency, and immune dysregulation, plcg2-associated. Identifiers: Orphanet 324530, MedGen C3553961, MONDO:0013944, OMIM 614878.

Allele frequency attached by ClinVar (database versions not stated): ExAC 0.00002; gnomAD exomes 0.00002; TOPMed 0.00004; gnomAD 0.00005 and 0.00006; ESP Exome Variant Server 0.00016.
gnomAD v4.1: 40 of 1,614,054 alleles (0.0025%); highest among the groups gnomAD compares: African/African-American, 0.0067%; no homozygotes.

Submissions (5):

Laboratory of Genetics, Children's Clinical University Hospital Latvia
Classification: Benign. Last evaluated: 2025-02-16. Review status: criteria provided, single submitter. Criteria: ACMG Guidelines, 2015. Collection method: clinical testing. Allele origin: germline. Affected: yes.

CeGaT Center for Human Genetics Tuebingen
Classification: Uncertain significance. Last evaluated: 2024-12-01. Review status: criteria provided, single submitter. Criteria: CeGaT Center For Human Genetics Tuebingen Variant Classification Criteria Version 2. Collection method: clinical testing. Allele origin: germline. Affected: yes. Observed: 1 variant allele.

Labcorp Genetics (formerly Invitae), Labcorp
Classification: Uncertain significance for Familial cold autoinflammatory syndrome 3. Last evaluated: 2024-08-31. Review status: criteria provided, single submitter. Criteria: Invitae Variant Classification Sherloc (09022015). Collection method: clinical testing. Allele origin: germline.
Comment: This sequence change replaces arginine, which is basic and polar, with tryptophan, which is neutral and slightly polar, at codon 1228 of the PLCG2 protein (p.Arg1228Trp). This variant is present in population databases (rs202108152, gnomAD 0.008%). This variant has not been reported in the literature in individuals affected with PLCG2-related conditions. ClinVar contains an entry for this variant (Variation ID: 1446154). An algorithm developed to predict the effect of missense changes on protein structure and function (PolyPhen-2) suggests that this variant is likely to be disruptive. In summary, the available evidence is currently insufficient to determine the role of this variant in disease. Therefore, it has been classified as a Variant of Uncertain Significance.

Blueprint Genetics
Classification: Uncertain significance. Last evaluated: 2022-08-10. Review status: criteria provided, single submitter. Criteria: ACMG Guidelines, 2015. Collection method: clinical testing. Allele origin: germline.

Fulgent Genetics
Classification: Uncertain significance for Familial cold autoinflammatory syndrome 3; Autoinflammation-PLCG2-associated antibody deficiency-immune dysregulation. Last evaluated: 2021-11-16. Review status: criteria provided, single submitter. Criteria: ACMG Guidelines, 2015. Collection method: clinical testing. Allele origin: unknown.